The following is an entry in ClinVar:

NM_015459.5(ATL3):c.1573A>G (p.Thr525Ala)

Genes: ATL3 (atlastin GTPase 3; minus strand), LNCROPM (lncRNA regulator of PLAAT3 mediated phospholipid metabolism; plus strand). Cytogenetic location: 11q13.1.
Variant type: single nucleotide variant.
Coding change: c.1573A>G on transcript NM_015459.5 (MANE Select); coding-DNA position 1573, A replaced by G.
Protein change: p.Thr525Ala; replaces threonine 525 with alanine.
Molecular consequence: missense variant.
Genome position (GRCh38, 1-based): chr11:63,629,372, T>C on the plus strand (A>G on the coding strand, the complement: ATL3 is on the minus strand). VCF-style: chr11-63629372-T-C. GRCh37 (hg19) VCF-style: chr11-63396844-T-C.
Other names: c.1519A>G, p.Thr507Ala (NM_001290048.2); short protein forms T507A, T525A.
Identifiers: ClinVar variation 2747047 (VCV002747047.3), dbSNP rs2495615990, ClinGen allele CA381023871.
Genomic context (GRCh38, chr11:63,629,372, plus strand): 5'-TAAGATGCTATTGAGCTTTTTTATCCATGGATGGTCTTCCAACAACTGCATCCCTCACAG[T>C]GGCCTGAGTGGAATTACCGATATGAGAAGAAGCCTGCAAAAGTCCATTTATTCAACATAT-3'
Protein context (NP_056274.3, residues 515-535): SSHIGNSTQA[Thr525Ala]VRDAVVGRPS

ClinVar aggregate classification (germline): Uncertain significance (1 of 4 stars; one submission).

Conditions:
Neuropathy, hereditary sensory, type 1F. Also called: HSN IF; Hereditary sensory neuropathy type IF. Identifiers: Orphanet 36386, MedGen C3810194, MONDO:0014286, OMIM 615632.

Allele frequency attached by ClinVar (database versions not stated): gnomAD exomes below 0.00001.

Submission:

Labcorp Genetics (formerly Invitae), Labcorp
Classification: Uncertain significance for Neuropathy, hereditary sensory, type 1F. Last evaluated: 2023-07-26. Review status: criteria provided, single submitter. Criteria: Invitae Variant Classification Sherloc (09022015). Collection method: clinical testing. Allele origin: germline.
Comment: Algorithms developed to predict the effect of missense changes on protein structure and function output the following: SIFT: "Not Available"; PolyPhen-2: "Benign"; Align-GVGD: "Not Available". The alanine amino acid residue is found in multiple mammalian species, which suggests that this missense change does not adversely affect protein function. In summary, the available evidence is currently insufficient to determine the role of this variant in disease. Therefore, it has been classified as a Variant of Uncertain Significance. This variant has not been reported in the literature in individuals affected with ATL3-related conditions. This variant is not present in population databases (gnomAD no frequency). This sequence change replaces threonine, which is neutral and polar, with alanine, which is neutral and non-polar, at codon 525 of the ATL3 protein (p.Thr525Ala).